The following is an entry in ClinVar:

NM_001204.7(BMPR2):c.247+2del

Gene: BMPR2 (bone morphogenetic protein receptor type 2; plus strand). Cytogenetic location: 2q33.1.
Variant type: Deletion.
Coding change: c.247+2del on transcript NM_001204.7 (MANE Select); the canonical splice donor site of the intron after coding-DNA position 247, one base deleted (C; older notation c.247+2delC).
Molecular consequence: splice donor variant.
Genome position (GRCh38, 1-based): chr2:202,464,981, C deleted. VCF-style (leftmost placement, unchanged base first): chr2-202464980-GC-G. GRCh37 (hg19) VCF-style: chr2-203329703-GC-G.
Identifiers: ClinVar variation 425732 (VCV000425732.3), dbSNP rs1085307190, ClinGen allele CA645294002.

ClinVar aggregate classification (germline): Likely pathogenic. Review status: reviewed by expert panel (3 of 4 stars). 3 submissions from 3 submitters: Likely pathogenic (1). 2 of the submissions do not count toward it. Last evaluated 2026-05-07.

Conditions:
Primary pulmonary hypertension. Also called: Idiopathic pulmonary hypertension. Identifiers: MedGen C0152171.
Pulmonary hypertension, primary, 1 (PPH1). Also called: Pulmonary hypertension, familial primary, 1, with or without HHT. Identifiers: Orphanet 422, MedGen C4552070, MONDO:0024533, OMIM 178600.
Pulmonary arterial hypertension. Identifiers: Orphanet 182090, MedGen C2973725, MeSH D000081029, MONDO:0015924, HP:0002092.

Submissions (3):

Clingen Pulmonary Hypertension Variant Curation Expert Panel, ClinGen
Classification: Likely pathogenic for Pulmonary arterial hypertension. Last evaluated: 2026-05-07. Review status: reviewed by expert panel. Criteria: ClinGen PH ACMG Specifications BMPR2 V2.0.0. Collection method: curation. Allele origin: germline. Inheritance: Autosomal dominant inheritance.
Comment: The BMPR2 c. 247+2del variant is in the canonical donor site of intron 2, leading to in frame exon skipping. The variant is absent from gnomAD v4.1.0 and v2.1.1 (controls) (PM2_supporting). This variant has been reported in one heritable PAH proband (PMID:26387786) (PS4 not met). The in frame deletion removes 5.5% of the protein, including part of the critical ligand binding domain (PVS1_strong). RNA data showed two transcripts, one deleting amino acids 47-82 and one deleting aa63-82, both removing critical cysteine residues (Cys60 and Cys66) (PMID:26387786). SpliceAI (0.95) is consistent with a detrimental effect on splicing. Another variant in the same splice region, c.247+1, was classified as likely pathogenic by the PH VCEP (PS1_supporting). PP1, PS2, and PM6 were not assessed due to absence of co-segregation data. In summary, this variant meets the criteria to be classified as likely pathogenic for pulmonary arterial hypertension based on the ACMG/AMP criteria applied, as specified by the ClinGen Pulmonary Hypertension VCEP: PVS1_strong(RNA), PS1_supporting, PM2_supporting (VCEP specification version 2.0, 1/30/2026)

Labcorp Genetics (formerly Invitae), Labcorp
Classification: Pathogenic for Primary pulmonary hypertension. Last evaluated: 2025-09-13. Review status: criteria provided, single submitter. Criteria: Invitae Variant Classification Sherloc (09022015). Collection method: clinical testing. Allele origin: germline. Not counted in ClinVar's aggregate classification.
Comment: This sequence change affects a splice site in intron 2 of the BMPR2 gene. It is expected to disrupt RNA splicing. Variants that disrupt the donor or acceptor splice site typically lead to a loss of protein function (PMID: 16199547), and loss-of-function variants in BMPR2 are known to be pathogenic (PMID: 16429395). This variant is not present in population databases (gnomAD no frequency). Disruption of this splice site has been observed in individuals with pulmonary arterial hypertension (PMID: 16728714; internal data). ClinVar contains an entry for this variant (Variation ID: 425732). Algorithms developed to predict the effect of sequence changes on RNA splicing suggest that this variant may disrupt the consensus splice site. For these reasons, this variant has been classified as Pathogenic.

Rare Disease Genomics Group, St George's University of London
Classification: Pathogenic for Primary pulmonary hypertension. Review status: no assertion criteria provided. Collection method: literature only. Allele origin: germline. Affected: yes. Not counted in ClinVar's aggregate classification.

Literature cited by the submitters: PubMed 16199547 (cited by Labcorp Genetics (formerly Invitae), Labcorp); PubMed 16429395 (cited by Labcorp Genetics (formerly Invitae), Labcorp); PubMed 16728714 (cited by Labcorp Genetics (formerly Invitae), Labcorp and Rare Disease Genomics Group, St George's University of London).